The following is an entry in ClinVar:

NM_000238.4(KCNH2):c.1837A>G (p.Thr613Ala)

Gene: KCNH2 (potassium voltage-gated channel subfamily H member 2; minus strand). Cytogenetic location: 7q36.1.
Variant type: single nucleotide variant.
Coding change: c.1837A>G on transcript NM_000238.4 (MANE Select); coding-DNA position 1837, A replaced by G.
Protein change: p.Thr613Ala; replaces threonine 613 with alanine.
Molecular consequence: missense variant.
Genome position (GRCh38, 1-based): chr7:150,951,556, T>C on the plus strand (A>G on the coding strand, the complement: KCNH2 is on the minus strand). VCF-style: chr7-150951556-T-C. GRCh37 (hg19) VCF-style: chr7-150648644-T-C.
Other names: c.817A>G, p.Thr273Ala (NM_001204798.2, NM_172057.3); c.1549A>G, p.Thr517Ala (NM_001406753.1, NM_001406756.1); c.1660A>G, p.Thr554Ala (NM_001406755.1); c.1537A>G, p.Thr513Ala (NM_001406757.1); c.1837A>G, p.Thr613Ala (NM_172056.3); short protein forms T554A, T513A, T517A, T273A, T613A.
Identifiers: ClinVar variation 2049671 (VCV002049671.4), dbSNP rs794728485, ClinGen allele CA369857978.

ClinVar aggregate classification (germline): Likely pathogenic (1 of 4 stars; one submission).

Conditions:
Long QT syndrome (LQTS). Identifiers: MedGen C0023976, MeSH D008133, MONDO:0002442. Disease mechanism: loss of function. Inheritance: Various modes of inheritance.

Allele frequency attached by ClinVar (database versions not stated): gnomAD exomes below 0.00001.

Submission:

Labcorp Genetics (formerly Invitae), Labcorp
Classification: Likely pathogenic for Long QT syndrome. Last evaluated: 2024-01-21. Review status: criteria provided, single submitter. Criteria: Invitae Variant Classification Sherloc (09022015). Collection method: clinical testing. Allele origin: germline.
Comment: This sequence change replaces threonine, which is neutral and polar, with alanine, which is neutral and non-polar, at codon 613 of the KCNH2 protein (p.Thr613Ala). This variant is not present in population databases (gnomAD no frequency). This missense change has been observed in individual(s) with long QT syndrome (PMID: 26173150). It has also been observed to segregate with disease in related individuals. ClinVar contains an entry for this variant (Variation ID: 2049671). An algorithm developed to predict the effect of missense changes on protein structure and function (PolyPhen-2) suggests that this variant is likely to be disruptive. Experimental studies have shown that this missense change affects KCNH2 function (PMID: 26173150). This variant disrupts the p.Thr613 amino acid residue in KCNH2. Other variant(s) that disrupt this residue have been determined to be pathogenic (PMID: 10220144, 10862094, 10973849, 11524404, 14720170, 25417810). This suggests that this residue is clinically significant, and that variants that disrupt this residue are likely to be disease-causing. In summary, the currently available evidence indicates that the variant is pathogenic, but additional data are needed to prove that conclusively. Therefore, this variant has been classified as Likely Pathogenic.

Literature cited by the submitters: PubMed 26173150; PubMed 10220144; PubMed 10862094; PubMed 10973849; PubMed 11524404; PubMed 14720170; PubMed 25417810.